The following is an entry in ClinVar:

ClinVar aggregate classification (germline): Pathogenic (1 of 4 stars; one submission).

Conditions:
Neurofibromatosis, type 1 (NF1). Also called: Peripheral type neurofibromatosis; VON RECKLINGHAUSEN DISEASE; NEUROFIBROMATOSIS, TYPE I, SOMATIC; Neurofibromatosis, type I. Identifiers: Orphanet 636, MedGen C0027831, MONDO:0018975, OMIM 162200. Disease mechanism: loss of function.

Submission:

Labcorp Genetics (formerly Invitae), Labcorp
Classification: Pathogenic for Neurofibromatosis, type 1. Last evaluated: 2021-09-20. Review status: criteria provided, single submitter. Criteria: Invitae Variant Classification Sherloc (09022015). Collection method: clinical testing. Allele origin: germline.
Comment: For these reasons, this variant has been classified as Pathogenic. This variant has not been reported in the literature in individuals affected with NF1-related conditions. This variant is not present in population databases (ExAC no frequency). This sequence change creates a premature translational stop signal (p.Thr32Ilefs*13) in the NF1 gene. It is expected to result in an absent or disrupted protein product. Loss-of-function variants in NF1 are known to be pathogenic (PMID: 10712197, 23913538).

Literature cited by the submitters: PubMed 10712197; PubMed 23913538.

NM_001042492.3(NF1):c.91_92dup (p.Thr32fs)

Gene: NF1 (neurofibromin 1; plus strand). Cytogenetic location: 17q11.2.
Variant type: Microsatellite.
Coding change: c.91_92dup on transcript NM_001042492.3 (MANE Select); coding-DNA positions 91 to 92, 2 bases duplicated (CA; older notation c.91_92dupCA).
Protein change: p.Thr32fs; shifts the reading frame from threonine 32.
Molecular consequence: frameshift variant.
Genome position (GRCh38, 1-based): chr17:31,156,013-31,156,014, CA duplicated; duplicating any 2 consecutive bases within chr17:31,156,008-31,156,014 gives the same sequence; the c. name uses the placement nearest the transcript's 3' end. VCF-style (leftmost placement, unchanged base first): chr17-31156007-A-AAC. GRCh37 (hg19) VCF-style: chr17-29483025-A-AAC.
Other names: c.87_88CA[4], p.Thr32Ilefs (NM_000267.4); c.91_92dup, p.Thr32fs (NM_001128147.3); short protein forms T32fs.
Identifiers: ClinVar variation 1438107 (VCV001438107.6), dbSNP rs1567814432, ClinGen allele CA2580614038.
Genomic context (GRCh38, chr17:31,156,007, plus strand): 5'-AGCTGTTAACGTGTTTTTTTTTTCTTTTTTTTTCAGCTTCCAATAAAAACAGGACAGCAG[A>AAC]ACACACATACCAAAGTCAGTACTGAGCACAACAAGGAATGTCTAATCAATATTTCCAAAT-3'